The following is an entry in ClinVar:

ClinVar aggregate classification (germline): Uncertain significance (1 of 4 stars; one submission).

Conditions:
Immunodeficiency 35 (IMD35). Also called: HIES WITH ATYPICAL MYCOBACTERIOSIS, AUTOSOMAL RECESSIVE; HYPER-IgE SYNDROME WITH ATYPICAL MYCOBACTERIOSIS, AUTOSOMAL RECESSIVE; TYK2 DEFICIENCY; Susceptibility to infection due to TYK2 deficiency. Identifiers: Orphanet 331226, MedGen C1969086, MONDO:0012682, OMIM 611521.

gnomAD v4.1: 12 of 1,612,472 alleles (0.00074%); highest among the groups gnomAD compares: Non-Finnish European, 0.001%; no homozygotes.

Submission:

Labcorp Genetics (formerly Invitae), Labcorp
Classification: Uncertain significance for Immunodeficiency 35. Last evaluated: 2020-01-25. Review status: criteria provided, single submitter. Criteria: Invitae Variant Classification Sherloc (09022015). Collection method: clinical testing. Allele origin: germline.
Comment: This variant has not been reported in the literature in individuals with TYK2-related conditions. This variant is not present in population databases (ExAC no frequency). This sequence change replaces alanine with threonine at codon 19 of the TYK2 protein (p.Ala19Thr). The alanine residue is moderately conserved and there is a small physicochemical difference between alanine and threonine. Algorithms developed to predict the effect of missense changes on protein structure and function output the following: SIFT: "Not Available"; PolyPhen-2: "Benign"; Align-GVGD: "Not Available". The threonine amino acid residue is found in multiple mammalian species, suggesting that this missense change does not adversely affect protein function. These predictions have not been confirmed by published functional studies and their clinical significance is uncertain. In summary, the available evidence is currently insufficient to determine the role of this variant in disease. Therefore, it has been classified as a Variant of Uncertain Significance.

NM_003331.5(TYK2):c.55G>A (p.Ala19Thr)

Gene: TYK2 (tyrosine kinase 2; minus strand). Cytogenetic location: 19p13.2.
Variant type: single nucleotide variant.
Coding change: c.55G>A on transcript NM_003331.5 (MANE Select); coding-DNA position 55, G replaced by A.
Protein change: p.Ala19Thr; replaces alanine 19 with threonine.
Molecular consequence: missense variant.
Genome position (GRCh38, 1-based): chr19:10,378,352, C>T on the plus strand (G>A on the coding strand, the complement: TYK2 is on the minus strand). VCF-style: chr19-10378352-C-T. GRCh37 (hg19) VCF-style: chr19-10489028-C-T.
Other names: c.55G>A, p.Ala19Thr (NM_001385197.1, NM_001385198.1, NM_001385199.1 and 8 more transcripts); short protein forms A19T.
Identifiers: ClinVar variation 1042334 (VCV001042334.5), dbSNP rs755381338, ClinGen allele CA305220345.